The following is an entry in ClinVar:

NM_003900.5(SQSTM1):c.50C>T (p.Ala17Val)

Gene: SQSTM1 (sequestosome 1; plus strand). Cytogenetic location: 5q35.3.
Variant type: single nucleotide variant.
Coding change: c.50C>T on transcript NM_003900.5 (MANE Select); coding-DNA position 50, C replaced by T.
Protein change: p.Ala17Val; replaces alanine 17 with valine.
Molecular consequence: missense variant. On other transcripts: intron variant (2).
Genome position (GRCh38, 1-based): chr5:179,820,986, C>T. VCF-style: chr5-179820986-C-T. GRCh37 (hg19) VCF-style: chr5-179247986-C-T.
Other names: c.-47-1972C>T (NM_001142298.2, NM_001142299.2); short protein forms A17V.
Identifiers: ClinVar variation 906314 (VCV000906314.16), dbSNP rs141502868, ClinGen allele CA3600365.

ClinVar aggregate classification (germline): Uncertain significance. Review status: criteria provided, multiple submitters, no conflicts (2 of 4 stars). 5 submissions from 5 submitters: Uncertain significance (5). Last evaluated 2025-11-03.

Conditions:
Paget disease of bone 3. Identifiers: MedGen C4085252, MONDO:0008176, OMIM 167250.
Frontotemporal dementia and/or amyotrophic lateral sclerosis 3. Also called: FTDALS3. Identifiers: Orphanet 275864, Orphanet 275872, Orphanet 803, MedGen C4225326, MONDO:0014640, OMIM 616437.
Frontotemporal dementia and/or amyotrophic lateral sclerosis 1 (FTDALS1). Also called: C9orf72 Frontotemporal Dementia and/or Amyotrophic Lateral Sclerosis; Frontotemporal dementia with motor neuron disease 1. Identifiers: Orphanet 275872, MedGen C5779877, MONDO:0007105, OMIM 105550.
Paget disease of bone 2, early-onset (PDB2). Also called: Paget disease of bone 2. Identifiers: MedGen C4085251, MONDO:0011183, OMIM 602080.
Inborn genetic diseases. Identifiers: MedGen C0950123, MeSH D030342.

Allele frequency attached by ClinVar (database versions not stated): gnomAD 0.00003 and 0.00004; gnomAD exomes 0.00003 and 0.00005; TOPMed 0.00003; ExAC 0.00004; ESP Exome Variant Server 0.00008.

Submissions (5):

Labcorp Genetics (formerly Invitae), Labcorp
Classification: Uncertain significance for Paget disease of bone 2, early-onset; Frontotemporal dementia and/or amyotrophic lateral sclerosis 1. Last evaluated: 2025-11-03. Review status: criteria provided, single submitter. Criteria: Invitae Variant Classification Sherloc (09022015). Collection method: clinical testing. Allele origin: germline.
Comment: This sequence change replaces alanine, which is neutral and non-polar, with valine, which is neutral and non-polar, at codon 17 of the SQSTM1 protein (p.Ala17Val). The frequency data for this variant in the population databases is considered unreliable, as metrics indicate poor data quality at this position in the gnomAD database. This missense change has been observed in individual(s) with frontotemporal lobardegeneration (FTLD) (PMID: 24899140). ClinVar contains an entry for this variant (Variation ID: 906314). Invitae Evidence Modeling of protein sequence and biophysical properties (such as structural, functional, and spatial information, amino acid conservation, physicochemical variation, residue mobility, and thermodynamic stability) indicates that this missense variant is not expected to disrupt SQSTM1 protein function with a negative predictive value of 80%. In summary, the available evidence is currently insufficient to determine the role of this variant in disease. Therefore, it has been classified as a Variant of Uncertain Significance.

Molecular Genetics, Royal Melbourne Hospital
Classification: Uncertain significance for Frontotemporal dementia and/or amyotrophic lateral sclerosis 3. Last evaluated: 2023-09-04. Review status: criteria provided, single submitter. Criteria: ACMG Guidelines, 2015. Collection method: clinical testing. Allele origin: germline. Inheritance: Autosomal dominant inheritance.
Comment: This sequence change in SQSTM1 is predicted to replace alanine with valine at codon 17, p.(Ala17Val). The alanine residue is weakly conserved (100 vertebrates, UCSC), and is located in the PB1 domain in a region, amino acids 15-17, that is highly intolerant to missense variation (PMID: 31116477). There is a moderate physicochemical difference between alanine and valine. The highest population minor allele frequency in the population database gnomAD v2.1 is 0.006% (6/107,756 alleles) in the European (non-Finnish) population. This variant has been reported in at least one individual with frontotemporal lobar degeneration (PMID: 24899140). Computational evidence predicts a benign effect for the missense substitution (REVEL = 0.073). Based on the classification scheme RMH Modified ACMG/AMP Guidelines v1.6.1, this variant is classified as a VARIANT OF UNCERTAIN SIGNIFICANCE. Following criteria are met: PM1, BP4.

GeneDx
Classification: Uncertain significance. Last evaluated: 2023-06-22. Review status: criteria provided, single submitter. Criteria: GeneDx Variant Classification Process June 2021. Collection method: clinical testing. Allele origin: germline. Affected: yes.
Comment: Previously reported in an individual with FTLD, and in a control individual (van der Zee et al., 2014); In silico analysis supports that this missense variant does not alter protein structure/function; This variant is associated with the following publications: (PMID: 8650207, 24899140)

Ambry Genetics
Classification: Uncertain significance for Inborn genetic diseases. Last evaluated: 2018-07-28. Review status: criteria provided, single submitter. Criteria: Ambry exome assertion method (8-5-2015). Collection method: clinical testing. Allele origin: germline. Affected: yes. Observed: 1 variant allele.

Illumina Laboratory Services, Illumina
Classification: Uncertain significance for Paget disease of bone 3. Last evaluated: 2017-04-27. Review status: criteria provided, single submitter. Criteria: ICSL Variant Classification Criteria 13 December 2019. Collection method: clinical testing. Allele origin: germline.
Comment: This variant was observed as part of a predisposition screen in an ostensibly healthy population. A literature search was performed for the gene, cDNA change, and amino acid change (where applicable). Publications were found based on this search. However, the evidence from the literature, in combination with allele frequency data from public databases where available, was not sufficient to rule this variant in or out of causing disease. Therefore, this variant is classified as a variant of unknown significance.

Literature cited by the submitters: PubMed 24899140 (cited by 4 submitters); PubMed 31116477 (cited by Molecular Genetics, Royal Melbourne Hospital); PubMed 17188686 (cited by Ambry Genetics).